The following is an entry in ClinVar:

NM_005529.7(HSPG2):c.9476G>A (p.Arg3159Gln)

Gene: HSPG2 (heparan sulfate proteoglycan 2; minus strand). Cytogenetic location: 1p36.12.
Variant type: single nucleotide variant.
Coding change: c.9476G>A on transcript NM_005529.7 (MANE Select); coding-DNA position 9476, G replaced by A.
Protein change: p.Arg3159Gln; replaces arginine 3159 with glutamine.
Molecular consequence: missense variant.
Genome position (GRCh38, 1-based): chr1:21,841,138, C>T on the plus strand (G>A on the coding strand, the complement: HSPG2 is on the minus strand). VCF-style: chr1-21841138-C-T. GRCh37 (hg19) VCF-style: chr1-22167631-C-T.
Other names: c.9479G>A, p.Arg3160Gln (NM_001291860.2); short protein forms R3159Q, R3160Q.
Identifiers: ClinVar variation 295759 (VCV000295759.27), dbSNP rs140573963, ClinGen allele CA670435.

ClinVar aggregate classification (germline): Uncertain significance. Review status: criteria provided, multiple submitters, no conflicts (2 of 4 stars). 9 submissions from 8 submitters: Uncertain significance (9). Last evaluated 2024-12-20.

Conditions:
Lethal Kniest-like syndrome (DDSH). Also called: Dyssegmental Dysplasia. Identifiers: Orphanet 1865, MedGen C1857100, MONDO:0009140, OMIM 224410.
Schwartz-Jampel syndrome type 1 (SJS1). Also called: MYOTONIC MYOPATHY, DWARFISM, CHONDRODYSTROPHY, AND OCULAR AND FACIAL ABNORMALITIES; CHONDRODYSTROPHIC MYOTONIA. Identifiers: MedGen C4551479, MONDO:0100435, OMIM 255800.
Schwartz-Jampel syndrome. Also called: Myotonic myopathy dwarfism chondrodystrophy and ocular and facial abnormalities. Identifiers: Orphanet 800, MedGen C0036391, MONDO:0009717.
Inborn genetic diseases. Identifiers: MedGen C0950123, MeSH D030342.

Allele frequency attached by ClinVar (database versions not stated): gnomAD exomes 0.00027; TOPMed 0.00027; ExAC 0.00029; 1000 Genomes Project 0.00040; ESP Exome Variant Server 0.00046; 1000 Genomes Project 30x 0.00047; gnomAD 0.00051.
gnomAD v4.1: 634 of 1,613,312 alleles (0.039%); highest among the groups gnomAD compares: Non-Finnish European, 0.049%; no homozygotes.

Submissions (9):

Labcorp Genetics (formerly Invitae), Labcorp
Classification: Uncertain significance. Last evaluated: 2024-12-20. Review status: criteria provided, single submitter. Criteria: Invitae Variant Classification Sherloc (09022015). Collection method: clinical testing. Allele origin: germline.
Comment: This sequence change replaces arginine, which is basic and polar, with glutamine, which is neutral and polar, at codon 3159 of the HSPG2 protein (p.Arg3159Gln). This variant is present in population databases (rs140573963, gnomAD 0.05%). This variant has not been reported in the literature in individuals affected with HSPG2-related conditions. ClinVar contains an entry for this variant (Variation ID: 295759). An algorithm developed to predict the effect of missense changes on protein structure and function outputs the following: PolyPhen-2: "Benign". The glutamine amino acid residue is found in multiple mammalian species, which suggests that this missense change does not adversely affect protein function. In summary, the available evidence is currently insufficient to determine the role of this variant in disease. Therefore, it has been classified as a Variant of Uncertain Significance.

Ambry Genetics
Classification: Uncertain significance for Inborn genetic diseases. Last evaluated: 2024-10-06. Review status: criteria provided, single submitter. Criteria: Ambry Variant Classification Scheme 2023. Collection method: clinical testing. Allele origin: germline.

Fulgent Genetics
Classification: Uncertain significance for Lethal Kniest-like syndrome; Schwartz-Jampel syndrome type 1. Last evaluated: 2024-01-30. Review status: criteria provided, single submitter. Criteria: ACMG Guidelines, 2015. Collection method: clinical testing. Allele origin: germline.

Athena Diagnostics
Classification: Uncertain significance. Last evaluated: 2023-12-06. Review status: criteria provided, single submitter. Criteria: Athena Diagnostics Criteria. Collection method: clinical testing. Allele origin: unknown.
Comment: Available data are insufficient to determine the clinical significance of the variant at this time. The frequency of this variant in the general population is uninformative in assessment of its pathogenicity. Computational tools predict that this variant is not damaging.

GeneDx
Classification: Uncertain significance. Last evaluated: 2022-08-08. Review status: criteria provided, single submitter. Criteria: GeneDx Variant Classification Process June 2021. Collection method: clinical testing. Allele origin: germline. Affected: yes.
Comment: In silico analysis supports that this missense variant does not alter protein structure/function; Has not been previously published as pathogenic or benign to our knowledge

Revvity Omics, Revvity
Classification: Uncertain significance. Last evaluated: 2019-11-05. Review status: criteria provided, single submitter. Criteria: ACMG Guidelines, 2015. Collection method: clinical testing. Allele origin: germline.

Illumina Laboratory Services, Illumina
Classification: Uncertain significance for Schwartz-Jampel syndrome type 1. Last evaluated: 2018-01-13. Review status: criteria provided, single submitter. Criteria: ICSL Variant Classification Criteria 13 December 2019. Collection method: clinical testing. Allele origin: germline.

Illumina Laboratory Services, Illumina
Classification: Uncertain significance for Lethal Kniest-like syndrome. Last evaluated: 2018-01-13. Review status: criteria provided, single submitter. Criteria: ICSL Variant Classification Criteria 13 December 2019. Collection method: clinical testing. Allele origin: germline.

ARUP Laboratories, Molecular Genetics and Genomics, ARUP Laboratories
Classification: Uncertain significance. Last evaluated: 2017-09-25. Review status: criteria provided, single submitter. Criteria: ARUP Molecular Germline Variant Investigation Process. Collection method: clinical testing. Allele origin: germline.